The following is an entry in ClinVar:

NM_015021.3(ZNF292):c.3589G>C (p.Ala1197Pro)

Gene: ZNF292 (zinc finger protein 292; plus strand). Cytogenetic location: 6q14.3.
Variant type: single nucleotide variant.
Coding change: c.3589G>C on transcript NM_015021.3 (MANE Select); coding-DNA position 3589, G replaced by C.
Protein change: p.Ala1197Pro; replaces alanine 1197 with proline.
Molecular consequence: missense variant.
Genome position (GRCh38, 1-based): chr6:87,257,218, G>C. VCF-style: chr6-87257218-G-C. GRCh37 (hg19) VCF-style: chr6-87966936-G-C.
Other names: c.3589G>C (NM_015021.1); c.3169G>C, p.Ala1057Pro (NM_001351444.2); short protein forms A1057P, A1197P.
Identifiers: ClinVar variation 2656745 (VCV002656745.26), dbSNP rs140831084, ClinGen allele CA3914141.

ClinVar aggregate classification (germline): Likely benign. Review status: criteria provided, multiple submitters, no conflicts (2 of 4 stars). 3 submissions from 3 submitters: Likely benign (2). 1 of the submissions does not count toward it. Last evaluated 2026-04-01.

Conditions:
ZNF292-related disorder. Also called: ZNF292-related condition.
Inborn genetic diseases. Identifiers: MedGen C0950123, MeSH D030342.

Allele frequency attached by ClinVar (database versions not stated): gnomAD exomes 0.00010; ExAC 0.00028; ESP Exome Variant Server 0.00073; 1000 Genomes Project 30x 0.00109; TOPMed 0.00115; gnomAD 0.00117; 1000 Genomes Project 0.00140.
gnomAD v4.1: 322 of 1,613,798 alleles (0.02%); highest among the groups gnomAD compares: African/African-American, 0.39%; no homozygotes.

Submissions (3):

CeGaT Center for Human Genetics Tuebingen
Classification: Likely benign. Last evaluated: 2026-04-01. Review status: criteria provided, single submitter. Criteria: CeGaT Center For Human Genetics Tuebingen Variant Classification Criteria Version 2. Collection method: clinical testing. Allele origin: germline. Affected: yes. Observed: 3 variant alleles.
Comment: ZNF292: BP4, BS1

Ambry Genetics
Classification: Likely benign for Inborn genetic diseases. Last evaluated: 2024-10-01. Review status: criteria provided, single submitter. Criteria: Ambry Variant Classification Scheme 2023. Collection method: clinical testing. Allele origin: germline.

PreventionGenetics, part of Exact Sciences
Classification: Likely benign for ZNF292-related condition. Last evaluated: 2022-01-31. Review status: no assertion criteria provided. Collection method: clinical testing. Allele origin: germline. Not counted in ClinVar's aggregate classification.
Comment: This variant is classified as likely benign based on ACMG/AMP sequence variant interpretation guidelines (Richards et al. 2015 PMID: 25741868, with internal and published modifications).